The following is an entry in ClinVar:

NM_005359.6(SMAD4):c.865C>A (p.Gln289Lys)

Gene: SMAD4 (SMAD family member 4; plus strand). Cytogenetic location: 18q21.2.
Variant type: single nucleotide variant.
Coding change: c.865C>A on transcript NM_005359.6 (MANE Select); coding-DNA position 865, C replaced by A.
Protein change: p.Gln289Lys; replaces glutamine 289 with lysine.
Molecular consequence: missense variant.
Genome position (GRCh38, 1-based): chr18:51,058,417, C>A. VCF-style: chr18-51058417-C-A. GRCh37 (hg19) VCF-style: chr18-48584787-C-A.
Other names: c.865C>A (NM_005359.5); short protein forms Q289K.
Identifiers: ClinVar variation 998599 (VCV000998599.9), dbSNP rs1909903439, ClinGen allele CA402463538.
Genomic context (GRCh38, chr18:51,058,417, plus strand): 5'-ACTGGAAGTAGGACTGCACCATACACACCTAATTTGCCTCACCACCAAAACGGCCATCTT[C>A]AGCACCACCCGCCTATGCCGCCCCATCCCGGACATTACTGTAAGCTCTTGTTTTTGTTGT-3'
Protein context (NP_005350.1, residues 279-299): NLPHHQNGHL[Gln289Lys]HHPPMPPHPG

ClinVar aggregate classification (germline): Uncertain significance. Review status: criteria provided, multiple submitters, no conflicts (2 of 4 stars). 2 submissions from 2 submitters: Uncertain significance (2). Last evaluated 2025-04-04.

Conditions:
Familial thoracic aortic aneurysm and aortic dissection (TAAD). Also called: Thoracic aortic aneurysms and dissections. Identifiers: Orphanet 91387, MedGen C4707243, MONDO:0019625.
Hereditary cancer-predisposing syndrome. Also called: Neoplastic Syndromes, Hereditary; Hereditary neoplastic syndrome; Hereditary Cancer Syndrome; Tumor predisposition. Identifiers: Orphanet 140162, MedGen C0027672, MeSH D009386, MONDO:0015356.
Juvenile polyposis syndrome (JPS). Identifiers: Orphanet 2929, MedGen C0345893, MONDO:0017380, OMIM 174900.

Allele frequency attached by ClinVar (database versions not stated): gnomAD exomes below 0.00001.
gnomAD v4.1: 1 of 1,613,866 alleles (0.000062%); highest among the groups gnomAD compares: Non-Finnish European, 0.000085%; no homozygotes.

Submissions (2):

Ambry Genetics
Classification: Uncertain significance for Hereditary cancer-predisposing syndrome; Familial thoracic aortic aneurysm and aortic dissection. Last evaluated: 2025-04-04. Review status: criteria provided, single submitter. Criteria: Ambry Variant Classification Scheme 2023. Collection method: clinical testing. Allele origin: germline.
Comment: The p.Q289K variant (also known as c.865C>A), located in coding exon 6 of the SMAD4 gene, results from a C to A substitution at nucleotide position 865. The glutamine at codon 289 is replaced by lysine, an amino acid with similar properties. This amino acid position is conserved. In addition, the in silico prediction for this alteration is inconclusive. Based on the available evidence, the clinical significance of this variant remains unclear.

Labcorp Genetics (formerly Invitae), Labcorp
Classification: Uncertain significance for Juvenile polyposis syndrome. Last evaluated: 2020-12-24. Review status: criteria provided, single submitter. Criteria: Invitae Variant Classification Sherloc (09022015). Collection method: clinical testing. Allele origin: germline.
Comment: This variant has not been reported in the literature in individuals with SMAD4-related conditions. This variant is not present in population databases (ExAC no frequency). This sequence change replaces glutamine with lysine at codon 289 of the SMAD4 protein (p.Gln289Lys). The glutamine residue is highly conserved and there is a small physicochemical difference between glutamine and lysine. Advanced modeling of protein sequence and biophysical properties (such as structural, functional, and spatial information, amino acid conservation, physicochemical variation, residue mobility, and thermodynamic stability) performed at Invitae indicates that this missense variant is not expected to disrupt SMAD4 protein function. In summary, the available evidence is currently insufficient to determine the role of this variant in disease. Therefore, it has been classified as a Variant of Uncertain Significance.